The following is an entry in ClinVar:

ClinVar aggregate classification (germline): Uncertain significance. Review status: criteria provided, single submitter (1 of 4 stars). 2 submissions from 2 submitters: Uncertain significance (1). 1 of the submissions does not count toward it. Last evaluated 2025-10-06.

Conditions:
Spinocerebellar ataxia type 38. Identifiers: Orphanet 423296, MedGen C4518337, MONDO:0014417, OMIM 615957.

gnomAD v4.1: 15 of 1,613,800 alleles (0.00093%); highest among the groups gnomAD compares: Non-Finnish European, 0.0012%; no homozygotes.

Submissions (2):

Labcorp Genetics (formerly Invitae), Labcorp
Classification: Uncertain significance. Last evaluated: 2025-10-06. Review status: criteria provided, single submitter. Criteria: Invitae Variant Classification Sherloc (09022015). Collection method: clinical testing. Allele origin: germline.
Comment: This sequence change replaces valine, which is neutral and non-polar, with leucine, which is neutral and non-polar, at codon 291 of the ELOVL5 protein (p.Val291Leu). This variant is present in population databases (no rsID available, gnomAD 0.002%). This missense change has been observed in individual(s) with ELOVL5-related conditions (PMID: 29482223). An algorithm developed to predict the effect of missense changes on protein structure and function (PolyPhen-2) suggests that this variant is likely to be tolerated. In summary, the available evidence is currently insufficient to determine the role of this variant in disease. Therefore, it has been classified as a Variant of Uncertain Significance.

Next Generation Genetic Polyclinic
Classification: Uncertain significance for Spinocerebellar ataxia type 38. Review status: no assertion criteria provided. Collection method: clinical testing. Allele origin: de novo. Affected: yes. Not counted in ClinVar's aggregate classification.

Literature cited by the submitters: PubMed 29482223 (cited by Labcorp Genetics (formerly Invitae), Labcorp).

NM_021814.5(ELOVL5):c.871G>T (p.Val291Leu)

Gene: ELOVL5 (ELOVL fatty acid elongase 5; minus strand). Cytogenetic location: 6p12.1.
Variant type: single nucleotide variant.
Coding change: c.871G>T on transcript NM_021814.5 (MANE Select); coding-DNA position 871, G replaced by T.
Protein change: p.Val291Leu; replaces valine 291 with leucine.
Molecular consequence: missense variant.
Genome position (GRCh38, 1-based): chr6:53,269,156, C>A on the plus strand (G>T on the coding strand, the complement: ELOVL5 is on the minus strand). VCF-style: chr6-53269156-C-A. GRCh37 (hg19) VCF-style: chr6-53133954-C-A.
Other names: c.952G>T, p.Val318Leu (NM_001242828.2); c.746G>T, p.Cys249Phe (NM_001242830.2); c.871G>T, p.Val291Leu (NM_001301856.2); short protein forms C249F, V291L, V318L.
Identifiers: ClinVar variation 4073422 (VCV004073422.2).